The following is an entry in ClinVar:

ClinVar aggregate classification (germline): Uncertain significance. Review status: criteria provided, multiple submitters, no conflicts (2 of 4 stars). 3 submissions from 3 submitters: Uncertain significance (2). 1 of the submissions does not count toward it. Last evaluated 2022-04-04.

Conditions:
AMACR-related disorder. Also called: AMACR-Related Disorders; AMACR-related condition.
Alpha-methylacyl-CoA racemase deficiency (AMACRD). Also called: AMACR deficiency. Identifiers: Orphanet 79095, MedGen C3280428, MONDO:0013681, OMIM 614307. Disease mechanism: loss of function.

Allele frequency attached by ClinVar (database versions not stated): gnomAD 0.00001 and 0.00003; TOPMed 0.00003; gnomAD exomes 0.00006 and 0.00011; ExAC 0.00008; ESP Exome Variant Server 0.00015; 1000 Genomes Project 30x 0.00016.

Submissions (3):

Labcorp Genetics (formerly Invitae), Labcorp
Classification: Uncertain significance for Alpha-methylacyl-CoA racemase deficiency. Last evaluated: 2022-04-04. Review status: criteria provided, single submitter. Criteria: Invitae Variant Classification Sherloc (09022015). Collection method: clinical testing. Allele origin: germline.
Comment: This sequence change replaces serine, which is neutral and polar, with glycine, which is neutral and non-polar, at codon 375 of the AMACR protein (p.Ser375Gly). This variant is present in population databases (rs200270822, gnomAD 0.02%). This variant has not been reported in the literature in individuals affected with AMACR-related conditions. ClinVar contains an entry for this variant (Variation ID: 594184). Algorithms developed to predict the effect of missense changes on protein structure and function output the following: SIFT: "Tolerated"; PolyPhen-2: "Benign"; Align-GVGD: "Class C0". The glycine amino acid residue is found in multiple mammalian species, which suggests that this missense change does not adversely affect protein function. Algorithms developed to predict the effect of sequence changes on RNA splicing suggest that this variant may create or strengthen a splice site. In summary, the available evidence is currently insufficient to determine the role of this variant in disease. Therefore, it has been classified as a Variant of Uncertain Significance.

Eurofins Ntd Llc (ga)
Classification: Uncertain significance. Last evaluated: 2017-09-20. Review status: criteria provided, single submitter. Criteria: EGL Classification Definitions 2015. Collection method: clinical testing. Allele origin: germline. Observed: 1 variant allele, 1 heterozygote.

PreventionGenetics, part of Exact Sciences
Classification: Uncertain significance for AMACR-related condition. Last evaluated: 2024-09-12. Review status: no assertion criteria provided. Collection method: clinical testing. Allele origin: germline. Not counted in ClinVar's aggregate classification.
Comment: The AMACR c.1123A>G variant is predicted to result in the amino acid substitution p.Ser375Gly. To our knowledge, this variant has not been reported in the literature. This variant is reported in 0.020% of alleles in individuals of South Asian descent in gnomAD. At this time, the clinical significance of this variant is uncertain due to the absence of conclusive functional and genetic evidence.

NM_014324.6(AMACR):c.1123A>G (p.Ser375Gly)

Genes: AMACR (alpha-methylacyl-CoA racemase; minus strand), C1QTNF3-AMACR (C1QTNF3-AMACR readthrough (NMD candidate); minus strand). Cytogenetic location: 5p13.2.
Variant type: single nucleotide variant.
Coding change: c.1123A>G on transcript NM_014324.6 (MANE Select); coding-DNA position 1123, A replaced by G.
Protein change: p.Ser375Gly; replaces serine 375 with glycine.
Molecular consequence: missense variant. On other transcripts: non-coding transcript variant (1), 3 prime UTR variant (1).
Genome position (GRCh38, 1-based): chr5:33,989,119, T>C on the plus strand (A>G on the coding strand, the complement: AMACR is on the minus strand). VCF-style: chr5-33989119-T-C. GRCh37 (hg19) VCF-style: chr5-33989224-T-C.
Other names: c.1123A>G, p.Ser375Gly (NM_001167595.2); c.*365A>G (NM_203382.3); c.1123A>G (NM_014324.5); short protein forms S375G.
Identifiers: ClinVar variation 594184 (VCV000594184.11), dbSNP rs200270822, ClinGen allele CA3225947.